The following is an entry in ClinVar:

ClinVar aggregate classification (germline): Pathogenic (1 of 4 stars; one submission).

Conditions:
Cardiovascular phenotype. Identifiers: MedGen CN230736.
Hereditary cancer-predisposing syndrome. Also called: Hereditary Cancer Syndrome; Neoplastic Syndromes, Hereditary; Tumor predisposition; Hereditary neoplastic syndrome. Identifiers: Orphanet 140162, MedGen C0027672, MeSH D009386, MONDO:0015356.

Submission:

Ambry Genetics
Classification: Pathogenic for Cardiovascular phenotype; Hereditary cancer-predisposing syndrome. Last evaluated: 2022-01-14. Review status: criteria provided, single submitter. Criteria: Ambry Variant Classification Scheme 2023. Collection method: clinical testing. Allele origin: germline.
Comment: The c.5464_5465delAC pathogenic mutation, located in coding exon 37 of the NF1 gene, results from a deletion of two nucleotides at nucleotide positions 5464 to 5465, causing a translational frameshift with a predicted alternate stop codon (p.T1822Qfs*18). This alteration was detected in at least two patients with either clinical diagnosis of or suspicion of neurofibromatosis type 1 (Ars E et al. J Med Genet. 2003 Jun;40:e82; Pros E et al. Hum Mutat. 2008 Sep;29:E173-93). This alteration is also designated as c.5460-5461delAC in the literature. This variant is considered to be rare based on population cohorts in the Genome Aggregation Database (gnomAD). In addition to the clinical data presented in the literature, this alteration is expected to result in loss of function by premature protein truncation or nonsense-mediated mRNA decay. As such, this alteration is interpreted as a disease-causing mutation.

NM_001042492.3(NF1):c.5527_5528del (p.Thr1843fs)

Gene: NF1 (neurofibromin 1; plus strand). Cytogenetic location: 17q11.2.
Variant type: Microsatellite.
Coding change: c.5527_5528del on transcript NM_001042492.3 (MANE Select); coding-DNA positions 5527 to 5528, 2 bases deleted (AC; older notation c.5527_5528delAC).
Protein change: p.Thr1843fs; shifts the reading frame from threonine 1843.
Molecular consequence: frameshift variant.
Genome position (GRCh38, 1-based): chr17:31,327,757-31,327,758, AC deleted; deleting any 2 consecutive bases within chr17:31,327,753-31,327,758 gives the same sequence; the c. name uses the placement nearest the transcript's 3' end. VCF-style (leftmost placement, unchanged base first): chr17-31327752-AAC-A. GRCh37 (hg19) VCF-style: chr17-29654770-AAC-A.
Other names: c.5464_5465delAC (NM_000267.3); c.5460_5461AC[2], p.Thr1822Glnfs (NM_000267.4); short protein forms T1822fs, T1843fs.
Identifiers: ClinVar variation 1747682 (VCV001747682.2), dbSNP rs2508707657, ClinGen allele CA2580614094.